The following is an entry in ClinVar:

ClinVar aggregate classification (germline): Benign. Review status: criteria provided, multiple submitters, no conflicts (2 of 4 stars). 4 submissions from 4 submitters: Benign (3). 1 of the submissions does not count toward it. Last evaluated 2026-01-22.

Conditions:
Vesicoureteral reflux 2 (VUR2). Identifiers: Orphanet 289365, MedGen C1970483, MONDO:0012573, OMIM 610878.
ROBO2-related disorder. Also called: ROBO2-related condition.

Allele frequency attached by ClinVar (database versions not stated): gnomAD exomes 0.00041; ExAC 0.00048; 1000 Genomes Project 30x 0.00109; 1000 Genomes Project 0.00120; ESP Exome Variant Server 0.00168; gnomAD 0.00180 and 0.00195; TOPMed 0.00186.
gnomAD v4.1: 547 of 1,614,140 alleles (0.034%); highest among the groups gnomAD compares: African/African-American, 0.6%; 2 homozygotes.

Submissions (5):

Labcorp Genetics (formerly Invitae), Labcorp
Classification: Benign. Last evaluated: 2026-01-22. Review status: criteria provided, single submitter. Criteria: Invitae Variant Classification Sherloc (09022015). Collection method: clinical testing. Allele origin: germline.

Illumina Laboratory Services, Illumina
Classification: Benign for Vesicoureteral reflux 2. Last evaluated: 2018-01-12. Review status: criteria provided, single submitter. Criteria: ICSL Variant Classification Criteria 13 December 2019. Collection method: clinical testing. Allele origin: germline.
Comment: This variant was observed in the ICSL laboratory as part of a predisposition screen in an ostensibly healthy population. It had not been previously curated by ICSL or reported in the Human Gene Mutation Database (HGMD: prior to June 1st, 2018), and was therefore a candidate for classification through an automated scoring system. Utilizing variant allele frequency, disease prevalence and penetrance estimates, and inheritance mode, an automated score was calculated to assess if this variant is too frequent to cause the disease. Based on the score and internal cut-off values, a variant classified as benign is not then subjected to further curation. The score for this variant resulted in a classification of benign for this disease.

Breakthrough Genomics
Classification: Benign. Review status: criteria provided, single submitter. Criteria: ACMG Guidelines, 2015. Collection method: not provided. Allele origin: germline. Inheritance: Autosomal dominant inheritance. Affected: yes.

PreventionGenetics, part of Exact Sciences
Classification: Likely benign for ROBO2-related condition. Last evaluated: 2020-08-25. Review status: no assertion criteria provided. Collection method: clinical testing. Allele origin: germline. Not counted in ClinVar's aggregate classification.
Comment: This variant is classified as likely benign based on ACMG/AMP sequence variant interpretation guidelines (Richards et al. 2015 PMID: 25741868, with internal and published modifications).

Dr. Peter K. Rogan Lab, Western University
No classification provided (evidence only). Condition: Colon adenocarcinoma. Review status: no classification provided. Collection method: in vitro. Allele origin: not applicable. Functional consequence: retained intron. Not counted in ClinVar's aggregate classification.

NM_001395656.1(ROBO2):c.3420C>T (p.Gly1140=)

Gene: ROBO2 (roundabout guidance receptor 2; plus strand). Cytogenetic location: 3p12.3.
Variant type: single nucleotide variant.
Coding change: c.3420C>T on transcript NM_001395656.1 (MANE Select); coding-DNA position 3420, C replaced by T.
Protein change: p.Gly1140=; no amino-acid change (glycine 1140 retained).
Molecular consequence: synonymous variant.
Genome position (GRCh38, 1-based): chr3:77,617,627, C>T. VCF-style: chr3-77617627-C-T. GRCh37 (hg19) VCF-style: chr3-77666778-C-T.
Other names: c.3456C>T, p.Gly1152= (NM_001128929.3); c.3420C>T, p.Gly1140= (NM_001290039.2, NM_001290040.2); c.1629C>T, p.Gly543= (NM_001290065.2); c.3468C>T, p.Gly1156= (NM_001378190.1, NM_001378200.1, NM_001378201.1 and 1 more transcripts); c.3594C>T, p.Gly1198= (NM_001378191.1, NM_001378195.1, NM_001378196.1); c.3489C>T, p.Gly1163= (NM_001378192.1, NM_001378198.1, NM_001378199.1); c.3408C>T, p.Gly1136= (NM_001378193.1, NM_002942.5); c.3606C>T, p.Gly1202= (NM_001378194.1); and 5 more.
Identifiers: ClinVar variation 346705 (VCV000346705.14), dbSNP rs143561771, ClinGen allele CA2497649.